The following is an entry in ClinVar:

NM_004370.6(COL12A1):c.1971A>C (p.Glu657Asp)

Gene: COL12A1 (collagen type XII alpha 1 chain; minus strand). Cytogenetic location: 6q13.
Variant type: single nucleotide variant.
Coding change: c.1971A>C on transcript NM_004370.6 (MANE Select); coding-DNA position 1971, A replaced by C.
Protein change: p.Glu657Asp; replaces glutamic acid 657 with aspartic acid.
Molecular consequence: missense variant. On other transcripts: intron variant (1).
Genome position (GRCh38, 1-based): chr6:75,181,132, T>G on the plus strand (A>C on the coding strand, the complement: COL12A1 is on the minus strand). VCF-style: chr6-75181132-T-G. GRCh37 (hg19) VCF-style: chr6-75890848-T-G.
Other names: p.Glu657Asp; c.73+21588A>C (NM_080645.3); short protein forms E657D.
Identifiers: ClinVar variation 788146 (VCV000788146.25), dbSNP rs758146130, ClinGen allele CA3894088.

ClinVar aggregate classification (germline): Likely benign. Review status: criteria provided, multiple submitters, no conflicts (2 of 4 stars). 6 submissions from 6 submitters: Likely benign (6). Last evaluated 2026-01-25.

Conditions:
Ullrich congenital muscular dystrophy 2 (UCMD2). Identifiers: Orphanet 75840, MedGen C4225314, MONDO:0014654, OMIM 616470.
Bethlem myopathy 2 (BTHLM2). Identifiers: Orphanet 536516, Orphanet 610, MedGen C4225313, MONDO:0034022, OMIM 616471.

Allele frequency attached by ClinVar (database versions not stated): gnomAD 0.00005 and 0.00006; TOPMed 0.00008; ExAC 0.00021; gnomAD exomes 0.00022.
gnomAD v4.1: 296 of 1,613,890 alleles (0.018%); highest among the groups gnomAD compares: Middle Eastern, 0.15%; 2 homozygotes.

Submissions (6):

Labcorp Genetics (formerly Invitae), Labcorp
Classification: Likely benign for Bethlem myopathy 2; Ullrich congenital muscular dystrophy 2. Last evaluated: 2026-01-25. Review status: criteria provided, single submitter. Criteria: Invitae Variant Classification Sherloc (09022015). Collection method: clinical testing. Allele origin: germline.

CeGaT Center for Human Genetics Tuebingen
Classification: Likely benign. Last evaluated: 2026-01-01. Review status: criteria provided, single submitter. Criteria: CeGaT Center For Human Genetics Tuebingen Variant Classification Criteria Version 2. Collection method: clinical testing. Allele origin: germline. Affected: yes. Observed: 2 variant alleles.
Comment: COL12A1: BP4

Women's Health and Genetics/Laboratory Corporation of America, LabCorp
Classification: Likely benign. Last evaluated: 2025-05-06. Review status: criteria provided, single submitter. Criteria: LabCorp Variant Classification Summary - May 2015. Collection method: clinical testing. Allele origin: germline.
Comment: Variant summary: COL12A1 c.1971A>C (p.Glu657Asp) results in a conservative amino acid change in the encoded protein sequence. Algorithms developed to predict the effect of missense changes on protein structure and function are either unavailable or do not agree on the potential impact of this missense change. The variant allele was found at a frequency of 0.00022 in 249020 control chromosomes in the gnomAD database, including 2 homozygotes. This frequency is not significantly higher than estimated for a pathogenic variant in COL12A1 causing Ullrich congenital muscular dystrophy 2 (0.00022 vs 0.0035). To our knowledge, no occurrence of c.1971A>C in individuals affected with Ullrich congenital muscular dystrophy 2 and no experimental evidence demonstrating its impact on protein function have been reported. ClinVar contains an entry for this variant (Variation ID: 788146). Based on the evidence outlined above, the variant was classified as likely benign.

Mayo Clinic Laboratories, Mayo Clinic
Classification: Likely benign. Last evaluated: 2025-04-30. Review status: criteria provided, single submitter. Criteria: ACMG Guidelines, 2015. Collection method: clinical testing. Allele origin: germline. Observed: 1 variant allele.
Comment: BS1, BP4_moderate

Blueprint Genetics
Classification: Likely benign. Last evaluated: 2024-04-24. Review status: criteria provided, single submitter. Criteria: ACMG Guidelines, 2015. Collection method: clinical testing. Allele origin: germline.

GeneDx
Classification: Likely benign. Last evaluated: 2020-09-10. Review status: criteria provided, single submitter. Criteria: GeneDx Variant Classification Process June 2021. Collection method: clinical testing. Allele origin: germline. Affected: yes.